The following is an entry in ClinVar:

ClinVar aggregate classification (germline): Uncertain significance (1 of 4 stars; one submission).

Allele frequency attached by ClinVar (database versions not stated): gnomAD 0.00002; TOPMed 0.00004.
gnomAD v4.1: 8 of 1,596,660 alleles (0.0005%); highest among the groups gnomAD compares: African/African-American, 0.008%; no homozygotes.

Submission:

Labcorp Genetics (formerly Invitae), Labcorp
Classification: Uncertain significance. Last evaluated: 2023-01-10. Review status: criteria provided, single submitter. Criteria: Invitae Variant Classification Sherloc (09022015). Collection method: clinical testing. Allele origin: germline.
Comment: In summary, the available evidence is currently insufficient to determine the role of this variant in disease. Therefore, it has been classified as a Variant of Uncertain Significance. Advanced modeling of protein sequence and biophysical properties (such as structural, functional, and spatial information, amino acid conservation, physicochemical variation, residue mobility, and thermodynamic stability) performed at Invitae indicates that this missense variant is not expected to disrupt GTPBP3 protein function. ClinVar contains an entry for this variant (Variation ID: 1491396). This variant has not been reported in the literature in individuals affected with GTPBP3-related conditions. The frequency data for this variant in the population databases is considered unreliable, as metrics indicate poor data quality at this position in the gnomAD database. This sequence change replaces glycine, which is neutral and non-polar, with serine, which is neutral and polar, at codon 59 of the GTPBP3 protein (p.Gly59Ser).

NM_032620.4(GTPBP3):c.175G>A (p.Gly59Ser)

Gene: GTPBP3 (GTP binding protein 3, mitochondrial; plus strand). Cytogenetic location: 19p13.11.
Variant type: single nucleotide variant.
Coding change: c.175G>A on transcript NM_032620.4 (MANE Select); coding-DNA position 175, G replaced by A.
Protein change: p.Gly59Ser; replaces glycine 59 with serine.
Molecular consequence: missense variant.
Genome position (GRCh38, 1-based): chr19:17,338,129, G>A. VCF-style: chr19-17338129-G-A. GRCh37 (hg19) VCF-style: chr19-17448938-G-A.
Other names: c.175G>A, p.Gly59Ser (NM_001128855.3, NM_133644.4); c.241G>A, p.Gly81Ser (NM_001195422.1); short protein forms G81S, G59S.
Identifiers: ClinVar variation 1491396 (VCV001491396.7), dbSNP rs1199642483, ClinGen allele CA404731816.